The following is an entry in ClinVar:

ClinVar aggregate classification (germline): Uncertain significance. Review status: criteria provided, multiple submitters, no conflicts (2 of 4 stars). 2 submissions from 2 submitters: Uncertain significance (2). Last evaluated 2025-09-25.

Conditions:
Amyotrophic lateral sclerosis type 21. Also called: MYOPATHY, DISTAL, 2; VOCAL CORD AND PHARYNGEAL DYSFUNCTION WITH DISTAL MYOPATHY. Identifiers: Orphanet 600, Orphanet 803, MedGen C3807521, MONDO:0011632, OMIM 606070.
Inborn genetic diseases. Identifiers: MedGen C0950123, MeSH D030342.

gnomAD v4.1: 1 of 1,614,208 alleles (0.000062%); highest among the groups gnomAD compares: Non-Finnish European, 0.000085%; no homozygotes.

Submissions (2):

Ambry Genetics
Classification: Uncertain significance for Inborn genetic diseases. Last evaluated: 2025-09-25. Review status: criteria provided, single submitter. Criteria: Ambry Variant Classification Scheme 2023. Collection method: clinical testing. Allele origin: germline.

Labcorp Genetics (formerly Invitae), Labcorp
Classification: Uncertain significance for Amyotrophic lateral sclerosis type 21. Last evaluated: 2025-07-30. Review status: criteria provided, single submitter. Criteria: Invitae Variant Classification Sherloc (09022015). Collection method: clinical testing. Allele origin: germline.
Comment: This sequence change replaces threonine, which is neutral and polar, with proline, which is neutral and non-polar, at codon 644 of the MATR3 protein (p.Thr644Pro). This variant is not present in population databases (gnomAD no frequency). This variant has not been reported in the literature in individuals affected with MATR3-related conditions. Invitae Evidence Modeling of protein sequence and biophysical properties (such as structural, functional, and spatial information, amino acid conservation, physicochemical variation, residue mobility, and thermodynamic stability) indicates that this missense variant is not expected to disrupt MATR3 protein function with a negative predictive value of 80%. In summary, the available evidence is currently insufficient to determine the role of this variant in disease. Therefore, it has been classified as a Variant of Uncertain Significance.

NM_018834.6(MATR3):c.1930A>C (p.Thr644Pro)

Genes: MATR3 (matrin 3; plus strand), LOC126807526 (CDK7 strongly-dependent group 2 enhancer GRCh37_chr5:138657767-138658966; plus strand). Cytogenetic location: 5q31.2.
Variant type: single nucleotide variant.
Coding change: c.1930A>C on transcript NM_018834.6 (MANE Select); coding-DNA position 1930, A replaced by C.
Protein change: p.Thr644Pro; replaces threonine 644 with proline.
Molecular consequence: missense variant.
Genome position (GRCh38, 1-based): chr5:139,322,749, A>C. VCF-style: chr5-139322749-A-C. GRCh37 (hg19) VCF-style: chr5-138658438-A-C.
Other names: c.1930A>C, p.Thr644Pro (NM_001194954.2, NM_001194955.2, NM_001400441.1 and 16 more transcripts); c.1066A>C, p.Thr356Pro (NM_001194956.2); c.916A>C, p.Thr306Pro (NM_001282278.2, NM_001400460.1, NM_001400462.1 and 5 more transcripts); c.1069A>C, p.Thr357Pro (NM_001400459.1); c.1030A>C, p.Thr344Pro (NM_001400461.1); short protein forms T306P, T344P, T357P, T644P, T356P.
Identifiers: ClinVar variation 4624369 (VCV004624369.2).
Genomic context (GRCh38, chr5:139,322,749, plus strand): 5'-GGTAAAGAACAAGAAGAGAAGTCCGGTGAAGATGGTGAGAAAGACACAAAGGATGACCAG[A>C]CAGAGCAGGAACCTAATATGCTTCTTGAATCTGAAGATGAGCTACTTGTAGATGAAGAAG-3'
Protein context (NP_061322.2, residues 634-654): DGEKDTKDDQ[Thr644Pro]EQEPNMLLES